The following is an entry in ClinVar:

NM_005359.6(SMAD4):c.1254T>C (p.Ala418=)

Gene: SMAD4 (SMAD family member 4; plus strand). Cytogenetic location: 18q21.2.
Variant type: single nucleotide variant.
Coding change: c.1254T>C on transcript NM_005359.6 (MANE Select); coding-DNA position 1254, T replaced by C.
Protein change: p.Ala418=; no amino-acid change (alanine 418 retained).
Molecular consequence: synonymous variant. On other transcripts: non-coding transcript variant (1).
Genome position (GRCh38, 1-based): chr18:51,067,133, T>C. VCF-style: chr18-51067133-T-C. GRCh37 (hg19) VCF-style: chr18-48593503-T-C.
Other names: c.1254T>C, p.Ala418= (NM_001407041.1, NM_001407042.1).
Identifiers: ClinVar variation 3654171 (VCV003654171.3).
Genomic context (GRCh38, chr18:51,067,133, plus strand): 5'-GGTCAGGTGCCTTAGTGACCACGCGGTCTTTGTACAGAGTTACTACTTAGACAGAGAAGC[T>C]GGGCGTGCACCTGGAGATGCTGTTCATAAGATCTACCCAAGTGCATATATAAAGGTTAGT-3'
Protein context (NP_005350.1, residues 408-428): FVQSYYLDRE[Ala418=]GRAPGDAVHK

ClinVar aggregate classification (germline): Benign/Likely benign. Review status: criteria provided, multiple submitters, no conflicts (2 of 4 stars). 2 submissions from 2 submitters: Benign (1); Likely benign (1). Last evaluated 2025-03-21.

Conditions:
Juvenile polyposis/hereditary hemorrhagic telangiectasia syndrome (JPHT). Also called: JP/HHT SYNDROME; JUVENILE POLYPOSIS WITH HEREDITARY HEMORRHAGIC TELANGIECTASIA; POLYPOSIS, GENERALIZED JUVENILE, WITH PULMONARY ARTERIOVENOUS MALFORMATION; TELANGIECTASIA, HEREDITARY HEMORRHAGIC, WITH JUVENILE POLYPOSIS COLI; Juvenile Polyposis Syndrome / Hereditary Hemorrhagic Telangiectasia (JPS/HHT). Identifiers: Orphanet 2929, MedGen C1832942, MONDO:0008278, OMIM 175050.
Juvenile polyposis syndrome (JPS). Identifiers: Orphanet 2929, MedGen C0345893, MONDO:0017380, OMIM 174900.

gnomAD v4.1: 1 of 1,610,844 alleles (0.000062%); highest among the groups gnomAD compares: Non-Finnish European, 0.000085%; no homozygotes.

Submissions (2):

Myriad Genetics, Inc.
Classification: Benign for Juvenile polyposis/hereditary hemorrhagic telangiectasia syndrome. Last evaluated: 2025-03-21. Review status: criteria provided, single submitter. Criteria: Myriad Autosomal Dominant, Autosomal Recessive and X-Linked Classification Criteria (2023). Collection method: clinical testing. Allele origin: unknown.
Comment: This variant is considered benign. This variant is a silent/synonymous amino acid change and it is not expected to impact splicing.

Labcorp Genetics (formerly Invitae), Labcorp
Classification: Likely benign for Juvenile polyposis syndrome. Last evaluated: 2024-05-22. Review status: criteria provided, single submitter. Criteria: Invitae Variant Classification Sherloc (09022015). Collection method: clinical testing. Allele origin: germline.